The following is an entry in ClinVar:

NM_080916.3(DGUOK):c.1A>G (p.Met1Val)

Gene: DGUOK (deoxyguanosine kinase; plus strand). Cytogenetic location: 2p13.1.
Variant type: single nucleotide variant.
Coding change: c.1A>G on transcript NM_080916.3 (MANE Select); coding-DNA position 1, A replaced by G.
Protein change: p.Met1Val; changes the start codon (methionine 1).
Molecular consequence: missense variant, initiator codon variant. On other transcripts: 5 prime UTR variant (4), non-coding transcript variant (6).
Genome position (GRCh38, 1-based): chr2:73,926,911, A>G. VCF-style: chr2-73926911-A-G. GRCh37 (hg19) VCF-style: chr2-74154038-A-G.
Other names: c.1A>G, p.Met1Val (NM_001318859.2, NM_080918.3); c.-178A>G (NM_001318860.2, NM_001318863.2); c.-264A>G (NM_001318861.2, NM_001318862.2); short protein forms M1V.
Identifiers: ClinVar variation 2203104 (VCV002203104.5), dbSNP rs747744094, ClinGen allele CA1718119.

ClinVar aggregate classification (germline): Pathogenic (1 of 4 stars; one submission).

Allele frequency attached by ClinVar (database versions not stated): TOPMed below 0.00001; ExAC 0.00001; gnomAD 0.00001.

Submission:

Labcorp Genetics (formerly Invitae), Labcorp
Classification: Pathogenic. Last evaluated: 2024-02-23. Review status: criteria provided, single submitter. Criteria: Invitae Variant Classification Sherloc (09022015). Collection method: clinical testing. Allele origin: germline.
Comment: This sequence change affects the initiator methionine of the DGUOK mRNA. The next in-frame methionine is located at codon 18. This variant is not present in population databases (gnomAD no frequency). Disruption of the initiator codon has been observed in individuals with mitochondrial DNA depletion syndrome (PMID: 16263314, 16908739, 32278775, 32793533). ClinVar contains an entry for this variant (Variation ID: 2203104). For these reasons, this variant has been classified as Pathogenic.

Literature cited by the submitters: PubMed 16263314; PubMed 16908739; PubMed 32278775; PubMed 32793533.